The following is an entry in ClinVar:

NM_002184.4(IL6ST):c.193A>G (p.Ile65Val)

Gene: IL6ST (interleukin 6 cytokine family signal transducer; minus strand). Cytogenetic location: 5q11.2.
Variant type: single nucleotide variant.
Coding change: c.193A>G on transcript NM_002184.4 (MANE Select); coding-DNA position 193, A replaced by G.
Protein change: p.Ile65Val; replaces isoleucine 65 with valine.
Molecular consequence: missense variant. On other transcripts: 5 prime UTR variant (3), non-coding transcript variant (2), intron variant (1).
Genome position (GRCh38, 1-based): chr5:55,969,727, T>C on the plus strand (A>G on the coding strand, the complement: IL6ST is on the minus strand). VCF-style: chr5-55969727-T-C. GRCh37 (hg19) VCF-style: chr5-55265555-T-C.
Other names: c.193A>G (NM_002184.3); c.193A>G, p.Ile65Val (NM_001190981.2, NM_001364275.2, NM_175767.3); c.-600A>G (NM_001364277.2, NM_001364279.2); c.-590A>G (NM_001364278.2); c.160+33A>G (NM_001364276.2); short protein forms I65V.
Identifiers: ClinVar variation 1443213 (VCV001443213.7), dbSNP rs1408430325, ClinGen allele CA359770594.
Genomic context (GRCh38, chr5:55,969,727, plus strand): 5'-TTCTGTTTATGATAGTATATTGCTCCTTAGGAATAGTAAAATGGTTTGTTTTCCAGACAA[T>C]GTAATTAGCATTTACATGAAAATAATCCATACATTTTTCCTTTAGCACACAAACTGCAGT-3'
Protein context (NP_002175.2, residues 55-75): MDYFHVNANY[Ile65Val]VWKTNHFTIP

ClinVar aggregate classification (germline): Uncertain significance. Review status: criteria provided, multiple submitters, no conflicts (2 of 4 stars). 2 submissions from 2 submitters: Uncertain significance (2). Last evaluated 2025-04-08.

Allele frequency attached by ClinVar (database versions not stated): TOPMed below 0.00001; gnomAD 0.00001; gnomAD exomes 0.00001.
gnomAD v4.1: 15 of 1,612,272 alleles (0.00093%); highest among the groups gnomAD compares: Non-Finnish European, 0.0013%; no homozygotes.

Submissions (2):

Labcorp Genetics (formerly Invitae), Labcorp
Classification: Uncertain significance. Last evaluated: 2025-04-08. Review status: criteria provided, single submitter. Criteria: Invitae Variant Classification Sherloc (09022015). Collection method: clinical testing. Allele origin: germline.
Comment: This sequence change replaces isoleucine, which is neutral and non-polar, with valine, which is neutral and non-polar, at codon 65 of the IL6ST protein (p.Ile65Val). This variant is present in population databases (no rsID available, gnomAD 0.0009%). This variant has not been reported in the literature in individuals affected with IL6ST-related conditions. ClinVar contains an entry for this variant (Variation ID: 1443213). An algorithm developed to predict the effect of missense changes on protein structure and function (PolyPhen-2) suggests that this variant is likely to be disruptive. In summary, the available evidence is currently insufficient to determine the role of this variant in disease. Therefore, it has been classified as a Variant of Uncertain Significance.

Ambry Genetics
Classification: Uncertain significance. Last evaluated: 2024-12-23. Review status: criteria provided, single submitter. Criteria: Ambry Variant Classification Scheme 2023. Collection method: clinical testing. Allele origin: germline.